The following is an entry in ClinVar:

NM_199420.4(POLQ):c.563T>C (p.Val188Ala)

Gene: POLQ (DNA polymerase theta; minus strand). Cytogenetic location: 3q13.33.
Variant type: single nucleotide variant.
Coding change: c.563T>C on transcript NM_199420.4 (MANE Select); coding-DNA position 563, T replaced by C.
Protein change: p.Val188Ala; replaces valine 188 with alanine.
Molecular consequence: missense variant.
Genome position (GRCh38, 1-based): chr3:121,539,501, A>G on the plus strand (T>C on the coding strand, the complement: POLQ is on the minus strand). VCF-style: chr3-121539501-A-G. GRCh37 (hg19) VCF-style: chr3-121258348-A-G.
Other names: short protein forms V188A.
Identifiers: ClinVar variation 3230068 (VCV003230068.1), dbSNP rs2546824534, ClinGen allele CA354091119.

ClinVar aggregate classification (germline): Uncertain significance (1 of 4 stars; one submission).

Submission:

Ambry Genetics
Classification: Uncertain significance. Last evaluated: 2023-10-19. Review status: criteria provided, single submitter. Criteria: Ambry Variant Classification Scheme 2023. Collection method: clinical testing. Allele origin: germline.
Comment: The p.V188A variant (also known as c.563T>C), located in coding exon 4 of the POLQ gene, results from a T to C substitution at nucleotide position 563. The valine at codon 188 is replaced by alanine, an amino acid with similar properties. This amino acid position is conserved. In addition, the in silico prediction for this alteration is inconclusive. Since supporting evidence is limited at this time, the clinical significance of this alteration remains unclear.